The following is an entry in ClinVar:

ClinVar aggregate classification (germline): Uncertain significance (1 of 4 stars; one submission).

Conditions:
Neurofibromatosis, type 1 (NF1). Also called: Neurofibromatosis, type I; VON RECKLINGHAUSEN DISEASE; NEUROFIBROMATOSIS, TYPE I, SOMATIC; Peripheral type neurofibromatosis. Identifiers: Orphanet 636, MedGen C0027831, MONDO:0018975, OMIM 162200. Disease mechanism: loss of function.

Submission:

Labcorp Genetics (formerly Invitae), Labcorp
Classification: Uncertain significance for Neurofibromatosis, type 1. Last evaluated: 2024-02-23. Review status: criteria provided, single submitter. Criteria: Invitae Variant Classification Sherloc (09022015). Collection method: clinical testing. Allele origin: germline.
Comment: This sequence change replaces isoleucine, which is neutral and non-polar, with threonine, which is neutral and polar, at codon 1424 of the NF1 protein (p.Ile1424Thr). This variant is not present in population databases (gnomAD no frequency). This variant has not been reported in the literature in individuals affected with NF1-related conditions. ClinVar contains an entry for this variant (Variation ID: 1721297). An algorithm developed to predict the effect of missense changes on protein structure and function (PolyPhen-2) suggests that this variant is likely to be tolerated. In summary, the available evidence is currently insufficient to determine the role of this variant in disease. Therefore, it has been classified as a Variant of Uncertain Significance.

NM_001042492.3(NF1):c.4334T>C (p.Ile1445Thr)

Gene: NF1 (neurofibromin 1; plus strand). Cytogenetic location: 17q11.2.
Variant type: single nucleotide variant.
Coding change: c.4334T>C on transcript NM_001042492.3 (MANE Select); coding-DNA position 4334, T replaced by C.
Protein change: p.Ile1445Thr; replaces isoleucine 1445 with threonine.
Molecular consequence: missense variant.
Genome position (GRCh38, 1-based): chr17:31,259,033, T>C. VCF-style: chr17-31259033-T-C. GRCh37 (hg19) VCF-style: chr17-29586051-T-C.
Other names: c.4271T>C, p.Ile1424Thr (NM_000267.4); short protein forms I1424T, I1445T.
Identifiers: ClinVar variation 1721297 (VCV001721297.5), dbSNP rs1597745565, ClinGen allele CA398998681.